The following is an entry in ClinVar:

ClinVar aggregate classification (germline): Uncertain significance. Review status: criteria provided, multiple submitters, no conflicts (2 of 4 stars). 2 submissions from 2 submitters: Uncertain significance (2). Last evaluated 2025-07-23.

Conditions:
Inborn genetic diseases. Identifiers: MedGen C0950123, MeSH D030342.
3-methylglutaconic aciduria, type VIIB (MGCA7B). Also called: CLPB Deficiency; 3-methylglutaconic aciduria, type VII, with cataracts, neurologic involvement and neutropenia; 3-methylglutaconic aciduria with cataracts, neurologic involvement and neutropenia. Identifiers: Orphanet 445038, MedGen C5676893, MONDO:0014561, OMIM 616271.

Allele frequency attached by ClinVar (database versions not stated): gnomAD exomes 0.00001 and below 0.00001; TOPMed below 0.00001; ExAC 0.00001; gnomAD 0.00001.
gnomAD v4.1: 7 of 1,542,784 alleles (0.00045%); highest among the groups gnomAD compares: African/African-American, 0.0014%; no homozygotes.

Submissions (2):

Labcorp Genetics (formerly Invitae), Labcorp
Classification: Uncertain significance for 3-methylglutaconic aciduria, type VIIB. Last evaluated: 2025-07-23. Review status: criteria provided, single submitter. Criteria: Invitae Variant Classification Sherloc (09022015). Collection method: clinical testing. Allele origin: germline.
Comment: This sequence change replaces lysine, which is basic and polar, with glutamic acid, which is acidic and polar, at codon 283 of the CLPB protein (p.Lys283Glu). This variant is present in population databases (rs766759416, gnomAD 0.007%). This variant has not been reported in the literature in individuals affected with CLPB-related conditions. ClinVar contains an entry for this variant (Variation ID: 958118). An algorithm developed to predict the effect of missense changes on protein structure and function (PolyPhen-2) suggests that this variant is likely to be tolerated. In summary, the available evidence is currently insufficient to determine the role of this variant in disease. Therefore, it has been classified as a Variant of Uncertain Significance.

Ambry Genetics
Classification: Uncertain significance for Inborn genetic diseases. Last evaluated: 2025-02-28. Review status: criteria provided, single submitter. Criteria: Ambry Variant Classification Scheme 2023. Collection method: clinical testing. Allele origin: germline.

NM_001258392.3(CLPB):c.757A>G (p.Lys253Glu)

Gene: CLPB (ClpB family mitochondrial disaggregase; minus strand). Cytogenetic location: 11q13.4.
Variant type: single nucleotide variant.
Coding change: c.757A>G on transcript NM_001258392.3 (MANE Select); coding-DNA position 757, A replaced by G.
Protein change: p.Lys253Glu; replaces lysine 253 with glutamic acid.
Molecular consequence: missense variant.
Genome position (GRCh38, 1-based): chr11:72,358,898, T>C on the plus strand (A>G on the coding strand, the complement: CLPB is on the minus strand). VCF-style: chr11-72358898-T-C. GRCh37 (hg19) VCF-style: chr11-72069942-T-C.
Other names: c.847A>G (NM_030813.3); c.670A>G, p.Lys224Glu (NM_001258393.3); c.712A>G, p.Lys238Glu (NM_001258394.3); c.847A>G, p.Lys283Glu (NM_030813.6); short protein forms K238E, K224E, K253E, K283E.
Identifiers: ClinVar variation 958118 (VCV000958118.11), dbSNP rs766759416, ClinGen allele CA6171414.